The following is an entry in ClinVar:

NM_002439.5(MSH3):c.2070T>A (p.Asn690Lys)

Gene: MSH3 (mutS homolog 3; plus strand). Cytogenetic location: 5q14.1.
Variant type: single nucleotide variant.
Coding change: c.2070T>A on transcript NM_002439.5 (MANE Select); coding-DNA position 2070, T replaced by A.
Protein change: p.Asn690Lys; replaces asparagine 690 with lysine.
Molecular consequence: missense variant.
Genome position (GRCh38, 1-based): chr5:80,768,106, T>A. VCF-style: chr5-80768106-T-A. GRCh37 (hg19) VCF-style: chr5-80063925-T-A.
Other names: short protein forms N690K.
Identifiers: ClinVar variation 2586068 (VCV002586068.2), dbSNP rs2546773748, ClinGen allele CA360277962.

ClinVar aggregate classification (germline): Uncertain significance (1 of 4 stars; one submission).

Conditions:
Hereditary cancer-predisposing syndrome. Also called: Hereditary neoplastic syndrome; Tumor predisposition; Hereditary Cancer Syndrome; Neoplastic Syndromes, Hereditary. Identifiers: Orphanet 140162, MedGen C0027672, MeSH D009386, MONDO:0015356.

Submission:

Ambry Genetics
Classification: Uncertain significance for Hereditary cancer-predisposing syndrome. Last evaluated: 2023-07-15. Review status: criteria provided, single submitter. Criteria: Ambry Variant Classification Scheme 2023. Collection method: clinical testing. Allele origin: germline.
Comment: The p.N690K variant (also known as c.2070T>A), located in coding exon 14 of the MSH3 gene, results from a T to A substitution at nucleotide position 2070. The asparagine at codon 690 is replaced by lysine, an amino acid with similar properties. This amino acid position is conserved. In addition, this alteration is predicted to be tolerated by in silico analysis. Since supporting evidence is limited at this time, the clinical significance of this alteration remains unclear.